The following is an entry in ClinVar:

ClinVar aggregate classification (germline): Uncertain significance (1 of 4 stars; one submission).

gnomAD v4.1: 2 of 1,614,018 alleles (0.00012%); highest among the groups gnomAD compares: Non-Finnish European, 0.000085%; no homozygotes.

Submission:

Labcorp Genetics (formerly Invitae), Labcorp
Classification: Uncertain significance. Last evaluated: 2024-02-14. Review status: criteria provided, single submitter. Criteria: Invitae Variant Classification Sherloc (09022015). Collection method: clinical testing. Allele origin: germline.
Comment: This sequence change replaces leucine, which is neutral and non-polar, with phenylalanine, which is neutral and non-polar, at codon 493 of the IRF2BP2 protein (p.Leu493Phe). This variant is present in population databases (no rsID available, gnomAD 0.0009%). This variant has not been reported in the literature in individuals affected with IRF2BP2-related conditions. An algorithm developed to predict the effect of missense changes on protein structure and function (PolyPhen-2) suggests that this variant is likely to be disruptive. In summary, the available evidence is currently insufficient to determine the role of this variant in disease. Therefore, it has been classified as a Variant of Uncertain Significance.

NM_182972.3(IRF2BP2):c.1477C>T (p.Leu493Phe)

Gene: IRF2BP2 (interferon regulatory factor 2 binding protein 2; minus strand). Cytogenetic location: 1q42.3.
Variant type: single nucleotide variant.
Coding change: c.1477C>T on transcript NM_182972.3 (MANE Select); coding-DNA position 1477, C replaced by T.
Protein change: p.Leu493Phe; replaces leucine 493 with phenylalanine.
Molecular consequence: missense variant.
Genome position (GRCh38, 1-based): chr1:234,607,424, G>A on the plus strand (C>T on the coding strand, the complement: IRF2BP2 is on the minus strand). VCF-style: chr1-234607424-G-A. GRCh37 (hg19) VCF-style: chr1-234743170-G-A.
Other names: c.1429C>T, p.Leu477Phe (NM_001077397.1); short protein forms L477F, L493F.
Identifiers: ClinVar variation 3681399 (VCV003681399.2).